The following is an entry in ClinVar:

ClinVar aggregate classification (germline): Uncertain significance. Review status: criteria provided, multiple submitters, no conflicts (2 of 4 stars). 3 submissions from 3 submitters: Uncertain significance (3). Last evaluated 2025-09-26.

Conditions:
Inborn genetic diseases. Identifiers: MedGen C0950123, MeSH D030342.

Allele frequency attached by ClinVar (database versions not stated): gnomAD 0.00003; ESP Exome Variant Server 0.00008; TOPMed 0.00002; ExAC 0.00002; gnomAD exomes 0.00001.
gnomAD v4.1: 24 of 1,613,450 alleles (0.0015%); highest among the groups gnomAD compares: South Asian, 0.012%; no homozygotes.

Submissions (3):

Ambry Genetics
Classification: Uncertain significance for Inborn genetic diseases. Last evaluated: 2025-09-26. Review status: criteria provided, single submitter. Criteria: Ambry Variant Classification Scheme 2023. Collection method: clinical testing. Allele origin: germline.

Labcorp Genetics (formerly Invitae), Labcorp
Classification: Uncertain significance. Last evaluated: 2022-10-17. Review status: criteria provided, single submitter. Criteria: Invitae Variant Classification Sherloc (09022015). Collection method: clinical testing. Allele origin: germline.
Comment: This sequence change replaces tyrosine, which is neutral and polar, with histidine, which is basic and polar, at codon 268 of the RXYLT1 protein (p.Tyr268His). This variant is present in population databases (rs372164959, gnomAD 0.007%). This variant has not been reported in the literature in individuals affected with RXYLT1-related conditions. ClinVar contains an entry for this variant (Variation ID: 1326175). Advanced modeling of protein sequence and biophysical properties (such as structural, functional, and spatial information, amino acid conservation, physicochemical variation, residue mobility, and thermodynamic stability) performed at Invitae indicates that this missense variant is not expected to disrupt RXYLT1 protein function. In summary, the available evidence is currently insufficient to determine the role of this variant in disease. Therefore, it has been classified as a Variant of Uncertain Significance.

GeneDx
Classification: Uncertain significance. Last evaluated: 2022-02-04. Review status: criteria provided, single submitter. Criteria: GeneDx Variant Classification Process June 2021. Collection method: clinical testing. Allele origin: germline. Affected: yes.
Comment: Not observed at significant frequency in large population cohorts (gnomAD); In silico analysis supports that this missense variant has a deleterious effect on protein structure/function; Has not been previously published as pathogenic or benign to our knowledge

NM_014254.3(RXYLT1):c.802T>C (p.Tyr268His)

Gene: RXYLT1 (ribitol xylosyltransferase 1; plus strand). Cytogenetic location: 12q14.2.
Variant type: single nucleotide variant.
Coding change: c.802T>C on transcript NM_014254.3 (MANE Select); coding-DNA position 802, T replaced by C.
Protein change: p.Tyr268His; replaces tyrosine 268 with histidine.
Molecular consequence: missense variant.
Genome position (GRCh38, 1-based): chr12:63,805,292, T>C. VCF-style: chr12-63805292-T-C. GRCh37 (hg19) VCF-style: chr12-64199072-T-C.
Other names: c.22T>C, p.Tyr8His (NM_001278237.2); c.802T>C (NM_014254.1); short protein forms Y268H, Y8H.
Identifiers: ClinVar variation 1326175 (VCV001326175.6), dbSNP rs372164959, ClinGen allele CA6666183.